The following is an entry in ClinVar:

NM_006361.6(HOXB13):c.279C>T (p.Ser93=)

Gene: HOXB13 (homeobox B13; minus strand). Cytogenetic location: 17q21.32.
Variant type: single nucleotide variant.
Coding change: c.279C>T on transcript NM_006361.6 (MANE Select); coding-DNA position 279, C replaced by T.
Protein change: p.Ser93=; no amino-acid change (serine 93 retained).
Molecular consequence: synonymous variant.
Genome position (GRCh38, 1-based): chr17:48,728,315, G>A on the plus strand (C>T on the coding strand, the complement: HOXB13 is on the minus strand). VCF-style: chr17-48728315-G-A. GRCh37 (hg19) VCF-style: chr17-46805677-G-A.
Identifiers: ClinVar variation 3773081 (VCV003773081.1).

ClinVar aggregate classification (germline): Benign (1 of 4 stars; one submission).

Conditions:
Prostate cancer, hereditary, 9 (HPC9). Identifiers: Orphanet 1331, MedGen C1970250, MONDO:0012597, OMIM 610997.

Submission:

Myriad Genetics, Inc.
Classification: Benign for Prostate cancer, hereditary, 9. Last evaluated: 2024-10-29. Review status: criteria provided, single submitter. Criteria: Myriad Autosomal Dominant, Autosomal Recessive and X-Linked Classification Criteria (2023). Collection method: clinical testing. Allele origin: unknown.
Comment: This variant is considered benign. This variant is a silent/synonymous amino acid change and it is not expected to impact splicing.